The following is an entry in ClinVar:

ClinVar aggregate classification (germline): Uncertain significance (3 of 4 stars; one submission).

Conditions:
ATM-related cancer predisposition. Also called: ATM-related cancer susceptibility. Identifiers: MedGen CN377759, MONDO:0700270.

Allele frequency attached by ClinVar (database versions not stated): gnomAD exomes below 0.00001.

Submission:

ClinGen Hereditary Breast, Ovarian and Pancreatic Cancer Variant Curation Expert Panel, ClinGen
Classification: Uncertain significance for ATM-related cancer predisposition. Last evaluated: 2023-11-20. Review status: reviewed by expert panel. Criteria: clingen hbop acmg specifications atm v1-1. Collection method: curation. Allele origin: germline. Inheritance: Autosomal dominant inheritance.
Comment: The c.1262C>T variant in ATM is a missense variant predicted to cause substitution of serine by leucine at amino acid 421 (p.Ser421Leu). The variant is absent in the gnomAD v2.1.1 cohort. The computational predictor, Revel (Score: 0.151), does not predict a damaging effect on ATM function. In summary, this variant meets criteria to be classified as variant of uncertain significance for autosomal dominant hereditary breast cancer and autosomal recessive Ataxia-Telangiectasia based on the ACMG/AMP criteria applied, as specified by the HBOP VCEP. (PM2_Supporting, BP4)

NM_000051.4(ATM):c.1262C>T (p.Ser421Leu)

Gene: ATM (ATM serine/threonine kinase; plus strand). Cytogenetic location: 11q22.3.
Variant type: single nucleotide variant.
Coding change: c.1262C>T on transcript NM_000051.4 (MANE Select); coding-DNA position 1262, C replaced by T.
Protein change: p.Ser421Leu; replaces serine 421 with leucine.
Molecular consequence: missense variant.
Genome position (GRCh38, 1-based): chr11:108,250,727, C>T. VCF-style: chr11-108250727-C-T. GRCh37 (hg19) VCF-style: chr11-108121454-C-T.
Other names: NM_000051.4:c.1262C>T; c.1262C>T, p.Ser421Leu (NM_001351834.2); short protein forms S421L.
Identifiers: ClinVar variation 2921289 (VCV002921289.2), dbSNP rs2135316531, ClinGen allele CA382533339.